The following is an entry in ClinVar:

ClinVar aggregate classification (germline): Uncertain significance. Review status: criteria provided, multiple submitters, no conflicts (2 of 4 stars). 2 submissions from 2 submitters: Uncertain significance (2). Last evaluated 2026-03-27.

Conditions:
Juvenile polyposis syndrome (JPS). Identifiers: Orphanet 2929, MedGen C0345893, MONDO:0017380, OMIM 174900.
Hereditary cancer-predisposing syndrome. Also called: Tumor predisposition; Hereditary neoplastic syndrome; Neoplastic Syndromes, Hereditary; Hereditary Cancer Syndrome. Identifiers: Orphanet 140162, MedGen C0027672, MeSH D009386, MONDO:0015356.

Submissions (2):

Ambry Genetics
Classification: Uncertain significance for Hereditary cancer-predisposing syndrome. Last evaluated: 2026-03-27. Review status: criteria provided, single submitter. Criteria: Ambry Variant Classification Scheme 2023. Collection method: clinical testing. Allele origin: germline.
Comment: The p.G341S variant (also known as c.1021G>A), located in coding exon 8 of the BMPR1A gene, results from a G to A substitution at nucleotide position 1021. The glycine at codon 341 is replaced by serine, an amino acid with similar properties. This amino acid position is highly conserved in available vertebrate species. In addition, this alteration is predicted to be deleterious by in silico analysis. Based on the available evidence, the clinical significance of this variant remains unclear.

Labcorp Genetics (formerly Invitae), Labcorp
Classification: Uncertain significance for Juvenile polyposis syndrome. Last evaluated: 2022-09-06. Review status: criteria provided, single submitter. Criteria: Invitae Variant Classification Sherloc (09022015). Collection method: clinical testing. Allele origin: germline.
Comment: This variant has not been reported in the literature in individuals affected with BMPR1A-related conditions. This variant is not present in population databases (gnomAD no frequency). This sequence change replaces glycine, which is neutral and non-polar, with serine, which is neutral and polar, at codon 341 of the BMPR1A protein (p.Gly341Ser). ClinVar contains an entry for this variant (Variation ID: 486811). In summary, the available evidence is currently insufficient to determine the role of this variant in disease. Therefore, it has been classified as a Variant of Uncertain Significance. Advanced modeling of protein sequence and biophysical properties (such as structural, functional, and spatial information, amino acid conservation, physicochemical variation, residue mobility, and thermodynamic stability) performed at Invitae indicates that this missense variant is expected to disrupt BMPR1A protein function.

NM_004329.3(BMPR1A):c.1021G>A (p.Gly341Ser)

Gene: BMPR1A (bone morphogenetic protein receptor type 1A; plus strand). Cytogenetic location: 10q23.2.
Variant type: single nucleotide variant.
Coding change: c.1021G>A on transcript NM_004329.3 (MANE Select); coding-DNA position 1021, G replaced by A.
Protein change: p.Gly341Ser; replaces glycine 341 with serine.
Molecular consequence: missense variant.
Genome position (GRCh38, 1-based): chr10:86,919,324, G>A. VCF-style: chr10-86919324-G-A. GRCh37 (hg19) VCF-style: chr10-88679081-G-A.
Other names: short protein forms G341S.
Identifiers: ClinVar variation 486811 (VCV000486811.12), dbSNP rs1554891077, ClinGen allele CA377460606.